The following is an entry in ClinVar:

ClinVar aggregate classification (germline): Uncertain significance (1 of 4 stars; one submission).

Submission:

Women's Health and Genetics/Laboratory Corporation of America, LabCorp
Classification: Uncertain significance. Last evaluated: 2020-07-14. Review status: criteria provided, single submitter. Criteria: LabCorp Variant Classification Summary - May 2015. Collection method: clinical testing. Allele origin: germline.
Comment: Variant summary: SMN1 c.883T>G (p.X295GluextX6) changes the termination codon and is predicted to lead to an extended protein with additional amino acids added to the normal C-terminus. The variant is located close to a canonical splice site, and could affect splicing: 4/4 computational tools predict no significant impact on normal splicing. However, these predictions have yet to be confirmed by functional studies. The variant was absent in 247954 control chromosomes (gnomAD). The available data on variant occurrences in the general population are insufficient to allow any conclusion about variant significance. To our knowledge, no occurrence of c.883T>G in individuals affected with Spinal Muscular Atrophy and no experimental evidence demonstrating its impact on protein function have been reported. No clinical diagnostic laboratories have submitted clinical-significance assessments for this variant to ClinVar after 2014. Based on the evidence outlined above, the variant was classified as uncertain significance.

NM_000344.4(SMN1):c.883T>G (p.Ter295Glu)

Gene: SMN1 (survival of motor neuron 1, telomeric). Cytogenetic location: 5q13.2.
Variant type: single nucleotide variant.
Coding change: c.883T>G on transcript NM_000344.4 (MANE Select); coding-DNA position 883, T replaced by G.
Protein change: p.Ter295Glu.
Molecular consequence: stop lost. On other transcripts: intron variant (1).
Genome position (GRCh38, 1-based): chr5:70,951,989, T>G. VCF-style: chr5-70951989-T-G. GRCh37 (hg19) VCF-style: chr5-70247816-T-G.
Other names: c.787T>G, p.Ter263Glu (NM_022874.2); c.835-450T>G (NM_001297715.1).
Identifiers: ClinVar variation 974967 (VCV000974967.1), dbSNP rs1749775863, ClinGen allele CA360098510.